The following is an entry in ClinVar:

ClinVar aggregate classification (germline): Uncertain significance. Review status: criteria provided, multiple submitters, no conflicts (2 of 4 stars). 5 submissions from 5 submitters: Uncertain significance (4). 1 of the submissions does not count toward it. Last evaluated 2026-06-26.

Conditions:
Retinitis pigmentosa 25 (RP25). Identifiers: Orphanet 791, MedGen C1864446, MONDO:0011272, OMIM 602772.
Inborn genetic diseases. Identifiers: MedGen C0950123, MeSH D030342.

Allele frequency attached by ClinVar (database versions not stated): gnomAD exomes 0.00001; gnomAD 0.00003 and 0.00004; TOPMed 0.00007.
gnomAD v4.1: 8 of 1,550,518 alleles (0.00052%); highest among the groups gnomAD compares: Admixed American, 0.0098%; no homozygotes.

Submissions (5):

Myriad Genetics, Inc.
Classification: Uncertain significance for Retinitis pigmentosa 25. Last evaluated: 2026-06-26. Review status: criteria provided, single submitter. Criteria: Myriad Autosomal Dominant, Autosomal Recessive and X-Linked Classification Criteria (2023). Collection method: clinical testing. Allele origin: unknown.
Comment: NM_001142800.1(EYS):c.9263G>A(G3088E) is a missense variant classified as a variant of uncertain significance in the context of retinitis pigmentosa, EYS-related. G3088E has been observed in a case with relevant disease (PMID: 39588395). Relevant functional assessments of this variant are not available in the literature. G3088E has been observed in referenced population frequency databases. In summary, there is insufficient evidence to classify NM_001142800.1(EYS):c.9263G>A(G3088E) as pathogenic or benign. Please note: this variant was assessed in the context of healthy population screening.

Labcorp Genetics (formerly Invitae), Labcorp
Classification: Uncertain significance. Last evaluated: 2025-07-08. Review status: criteria provided, single submitter. Criteria: Invitae Variant Classification Sherloc (09022015). Collection method: clinical testing. Allele origin: germline.
Comment: This sequence change replaces glycine, which is neutral and non-polar, with glutamic acid, which is acidic and polar, at codon 3088 of the EYS protein (p.Gly3088Glu). This variant is present in population databases (no rsID available, gnomAD 0.004%). This missense change has been observed in individuals with clinical features of retinitis pigmentosa (internal data). ClinVar contains an entry for this variant (Variation ID: 1000930). Invitae Evidence Modeling of protein sequence and biophysical properties (such as structural, functional, and spatial information, amino acid conservation, physicochemical variation, residue mobility, and thermodynamic stability) has been performed for this missense variant. However, the output from this modeling did not meet the statistical confidence thresholds required to predict the impact of this variant on EYS protein function. In summary, the available evidence is currently insufficient to determine the role of this variant in disease. Therefore, it has been classified as a Variant of Uncertain Significance.

Ambry Genetics
Classification: Uncertain significance for Inborn genetic diseases. Last evaluated: 2024-06-07. Review status: criteria provided, single submitter. Criteria: Ambry Variant Classification Scheme 2023. Collection method: clinical testing. Allele origin: germline.

Blueprint Genetics
Classification: Uncertain significance. Last evaluated: 2023-11-09. Review status: criteria provided, single submitter. Criteria: ACMG Guidelines, 2015. Collection method: clinical testing. Allele origin: germline.

Natera, Inc.
Classification: Uncertain significance for Retinitis pigmentosa type 25. Last evaluated: 2021-01-29. Review status: no assertion criteria provided. Collection method: clinical testing. Allele origin: germline. Not counted in ClinVar's aggregate classification.

Literature cited by the submitters: PubMed 39588395 (cited by Myriad Genetics, Inc.).

NM_001142800.2(EYS):c.9263G>A (p.Gly3088Glu)

Genes: EYS (EGF-like photoreceptor maintenance factor; minus strand), PHF3 (PHD finger protein 3; plus strand). Cytogenetic location: 6q12.
Variant type: single nucleotide variant.
Coding change: c.9263G>A on transcript NM_001142800.2 (MANE Select); coding-DNA position 9263, G replaced by A.
Protein change: p.Gly3088Glu; replaces glycine 3088 with glutamic acid.
Molecular consequence: missense variant. On other transcripts: 3 prime UTR variant (5).
Genome position (GRCh38, 1-based): chr6:63,720,768, C>T on the plus strand (G>A on the coding strand, the complement: EYS is on the minus strand). VCF-style: chr6-63720768-C-T. GRCh37 (hg19) VCF-style: chr6-64430664-C-T.
Other names: c.*7060C>T (NM_001290259.2, NM_001370348.2, NM_001370349.2 and 2 more transcripts); c.9326G>A, p.Gly3109Glu (NM_001292009.2); c.9263G>A (NM_001142800.1); short protein forms G3088E, G3109E.
Identifiers: ClinVar variation 1000930 (VCV001000930.8), dbSNP rs913465684, ClinGen allele CA140236792.
Genomic context (GRCh38, chr6:63,720,768, plus strand): 5'-AAATTGGTTTTAAAAATCTCTTGAGTAACGATATTTACCTTTCTACCATATTCAAAGCCC[C>T]CTAGATAACAAATGCCATCATAGTTTAGAGCCACAAAGTTTTTATGTGGATCAATATCCT-3'
Protein context (NP_001136272.1, residues 3078-3098): ALNYDGICYL[Gly3088Glu]GFEYGRKVNI